The following is an entry in ClinVar:

ClinVar aggregate classification (germline): Uncertain significance (1 of 4 stars; one submission).

Allele frequency attached by ClinVar (database versions not stated): gnomAD exomes below 0.00001; gnomAD 0.00001; TOPMed 0.00001.
gnomAD v4.1: 2 of 1,614,098 alleles (0.00012%); highest among the groups gnomAD compares: African/African-American, 0.0027%; no homozygotes.

Submission:

Labcorp Genetics (formerly Invitae), Labcorp
Classification: Uncertain significance. Last evaluated: 2022-03-11. Review status: criteria provided, single submitter. Criteria: Invitae Variant Classification Sherloc (09022015). Collection method: clinical testing. Allele origin: germline.
Comment: This sequence change replaces valine, which is neutral and non-polar, with alanine, which is neutral and non-polar, at codon 453 of the P3H2 protein (p.Val453Ala). This variant is present in population databases (no rsID available, gnomAD 0.01%). In summary, the available evidence is currently insufficient to determine the role of this variant in disease. Therefore, it has been classified as a Variant of Uncertain Significance. Algorithms developed to predict the effect of missense changes on protein structure and function are either unavailable or do not agree on the potential impact of this missense change (SIFT: "Deleterious"; PolyPhen-2: "Benign"; Align-GVGD: "Class C0"). This variant has not been reported in the literature in individuals affected with P3H2-related conditions.

NM_018192.4(P3H2):c.1358T>C (p.Val453Ala)

Gene: P3H2 (prolyl 3-hydroxylase 2; minus strand). Cytogenetic location: 3q28.
Variant type: single nucleotide variant.
Coding change: c.1358T>C on transcript NM_018192.4 (MANE Select); coding-DNA position 1358, T replaced by C.
Protein change: p.Val453Ala; replaces valine 453 with alanine.
Molecular consequence: missense variant.
Genome position (GRCh38, 1-based): chr3:189,974,652, A>G on the plus strand (T>C on the coding strand, the complement: P3H2 is on the minus strand). VCF-style: chr3-189974652-A-G. GRCh37 (hg19) VCF-style: chr3-189692441-A-G.
Other names: c.815T>C, p.Val272Ala (NM_001134418.2); short protein forms V272A, V453A.
Identifiers: ClinVar variation 1931813 (VCV001931813.5), dbSNP rs1475596727, ClinGen allele CA355754202.
Genomic context (GRCh38, chr3:189,974,652, plus strand): 5'-TCCGACAGGACGTTATCCAGGAGAACCCGCTGAGTCCCGTTCAGCTGCTCCGAGTTGTAG[A>G]CGAATGTGATGTTCTCATAGAGTAGAGGACCACCTACAGGAACAGAGCACATTGTCTTCC-3'
Protein context (NP_060662.2, residues 443-463): GPLLYENITF[Val453Ala]YNSEQLNGTQ